The following is an entry in ClinVar:

ClinVar aggregate classification (germline): Conflicting classifications of pathogenicity. Review status: criteria provided, conflicting classifications (1 of 4 stars). 7 submissions from 7 submitters: Uncertain significance (6); Likely benign (1). Last evaluated 2026-08-28.

Conditions:
Hereditary cancer-predisposing syndrome. Also called: Tumor predisposition; Hereditary neoplastic syndrome; Neoplastic Syndromes, Hereditary; Hereditary Cancer Syndrome. Identifiers: Orphanet 140162, MedGen C0027672, MeSH D009386, MONDO:0015356.
Peutz-Jeghers syndrome (PJS). Also called: POLYPOSIS, HAMARTOMATOUS INTESTINAL; POLYPS-AND-SPOTS SYNDROME; Peutz-Jeghers polyposis; Periorificial lentiginosis syndrome. Identifiers: Orphanet 2869, MedGen C0031269, MeSH D010580, MONDO:0008280, OMIM 175200.

Allele frequency attached by ClinVar (database versions not stated): gnomAD exomes below 0.00001.
gnomAD v4.1: 4 of 1,610,564 alleles (0.00025%); highest among the groups gnomAD compares: Non-Finnish European, 0.00034%; no homozygotes.

Submissions (7):

Ambry Genetics
Classification: Likely benign for Hereditary cancer-predisposing syndrome. Last evaluated: 2026-08-28. Review status: criteria provided, single submitter. Criteria: Ambry Variant Classification Scheme 2023. Collection method: clinical testing. Allele origin: germline.

Labcorp Genetics (formerly Invitae), Labcorp
Classification: Uncertain significance for Peutz-Jeghers syndrome. Last evaluated: 2025-09-14. Review status: criteria provided, single submitter. Criteria: Invitae Variant Classification Sherloc (09022015). Collection method: clinical testing. Allele origin: germline.
Comment: This sequence change replaces aspartic acid, which is acidic and polar, with asparagine, which is neutral and polar, at codon 277 of the STK11 protein (p.Asp277Asn). This variant is not present in population databases (gnomAD no frequency). This missense change has been observed in individual(s) with breast cancer (PMID: 30287823). ClinVar contains an entry for this variant (Variation ID: 856751). Invitae Evidence Modeling of protein sequence and biophysical properties (such as structural, functional, and spatial information, amino acid conservation, physicochemical variation, residue mobility, and thermodynamic stability) indicates that this missense variant is not expected to disrupt STK11 protein function with a negative predictive value of 95%. In summary, the available evidence is currently insufficient to determine the role of this variant in disease. Therefore, it has been classified as a Variant of Uncertain Significance.

All of Us Research Program, National Institutes of Health
Classification: Uncertain significance for Peutz-Jeghers syndrome. Last evaluated: 2024-07-29. Review status: criteria provided, single submitter. Criteria: ACMG Guidelines, 2015. Collection method: clinical testing. Allele origin: germline. Inheritance: Autosomal dominant inheritance. Observed: 1 variant allele, 1 heterozygote.
Comment: This missense variant replaces aspartic acid with asparagine at codon 277 of the STK11 protein. Computational prediction is inconclusive regarding the impact of this variant on protein structure and function (internally defined REVEL score threshold 0.5 < inconclusive < 0.7, PMID: 27666373). To our knowledge, functional studies have not been reported for this variant. This variant has not been reported in individuals affected with Peutz-Jeghers syndrome in the literature but has been reported in an individual affected by breast cancer (PMID: 30287823). This variant has not been identified in the general population by the Genome Aggregation Database (gnomAD). The available evidence is insufficient to determine the role of this variant in disease conclusively. Therefore, this variant is classified as a Variant of Uncertain Significance.

This study involves interpretation of variants in research participants for the purpose of population health screening. Participant phenotype was not available at the time of variant classification. Additional details can be found in publication PMID: 35346344, PMCID: PMC8962531

Color Diagnostics, LLC DBA Color Health
Classification: Uncertain significance for Hereditary cancer-predisposing syndrome. Last evaluated: 2024-07-17. Review status: criteria provided, single submitter. Criteria: ACMG Guidelines, 2015. Collection method: clinical testing. Allele origin: germline.
Comment: This missense variant replaces aspartic acid with asparagine at codon 277 of the STK11 protein. Computational prediction is inconclusive regarding the impact of this variant on protein structure and function. To our knowledge, functional studies have not been reported for this variant. This variant has not been reported in individuals affected with Peutz-Jeghers syndrome in the literature but has been reported in an individual affected by breast cancer (PMID: 30287823). This variant has not been identified in the general population by the Genome Aggregation Database (gnomAD). The available evidence is insufficient to determine the role of this variant in disease conclusively. Therefore, this variant is classified as a Variant of Uncertain Significance.

GeneDx
Classification: Uncertain significance. Last evaluated: 2023-08-25. Review status: criteria provided, single submitter. Criteria: GeneDx Variant Classification Process June 2021. Collection method: clinical testing. Allele origin: germline. Affected: yes.
Comment: Not observed at significant frequency in large population cohorts (gnomAD); In silico analysis supports that this missense variant does not alter protein structure/function; Observed in an individual with breast cancer (Momozawa et al., 2018); This variant is associated with the following publications: (PMID: 15863673, 30287823)

MGZ Medical Genetics Center
Classification: Uncertain significance for Peutz-Jeghers syndrome. Last evaluated: 2021-11-16. Review status: criteria provided, single submitter. Criteria: ACMG Guidelines, 2015. Collection method: clinical testing. Allele origin: germline. Affected: yes. Observed: 1 variant allele.
Comment: ACMG criteria applied: PM2_SUP, BP4

Genome-Nilou Lab
Classification: Uncertain significance for Peutz-Jeghers syndrome. Last evaluated: 2021-07-15. Review status: criteria provided, single submitter. Criteria: ACMG Guidelines, 2015. Collection method: clinical testing. Allele origin: germline. Affected: no.

Literature cited by the submitters: PubMed 30287823 (cited by 4 submitters).

NM_000455.5(STK11):c.829G>A (p.Asp277Asn)

Gene: STK11 (serine/threonine kinase 11; plus strand). Cytogenetic location: 19p13.3.
Variant type: single nucleotide variant.
Coding change: c.829G>A on transcript NM_000455.5 (MANE Select); coding-DNA position 829, G replaced by A.
Protein change: p.Asp277Asn; replaces aspartic acid 277 with asparagine.
Molecular consequence: missense variant.
Genome position (GRCh38, 1-based): chr19:1,221,307, G>A. VCF-style: chr19-1221307-G-A. GRCh37 (hg19) VCF-style: chr19-1221306-G-A.
Other names: short protein forms D277N.
Identifiers: ClinVar variation 856751 (VCV000856751.22), dbSNP rs1555738692, ClinGen allele CA402950657.